The following is an entry in ClinVar:

NM_006245.4(PPP2R5D):c.1442T>G (p.Phe481Cys)

Gene: PPP2R5D (protein phosphatase 2 regulatory subunit B'delta; plus strand). Cytogenetic location: 6p21.1.
Variant type: single nucleotide variant.
Coding change: c.1442T>G on transcript NM_006245.4 (MANE Select); coding-DNA position 1442, T replaced by G.
Protein change: p.Phe481Cys; replaces phenylalanine 481 with cysteine.
Molecular consequence: missense variant.
Genome position (GRCh38, 1-based): chr6:43,010,530, T>G. VCF-style: chr6-43010530-T-G. GRCh37 (hg19) VCF-style: chr6-42978268-T-G.
Other names: c.989T>G, p.Phe330Cys (NM_001270476.2); c.1346T>G, p.Phe449Cys (NM_180976.3); c.1124T>G, p.Phe375Cys (NM_180977.3); short protein forms F330C, F375C, F449C, F481C.
Identifiers: ClinVar variation 3364598 (VCV003364598.1).

ClinVar aggregate classification (germline): Uncertain significance (1 of 4 stars; one submission).

Submission:

GeneDx
Classification: Uncertain significance. Last evaluated: 2023-11-20. Review status: criteria provided, single submitter. Criteria: GeneDx Variant Classification Process June 2021. Collection method: clinical testing. Allele origin: germline. Affected: yes.
Comment: Not observed at significant frequency in large population cohorts (gnomAD); In silico analysis supports that this missense variant has a deleterious effect on protein structure/function; Has not been previously published as pathogenic or benign to our knowledge